The following is an entry in ClinVar:

ClinVar aggregate classification (germline): Conflicting classifications of pathogenicity. Review status: criteria provided, conflicting classifications (1 of 4 stars). 3 submissions from 3 submitters: Uncertain significance (1); Likely benign (2). Last evaluated 2024-06-07.

Conditions:
Ataxia-telangiectasia syndrome (AT). Also called: LOUIS-BAR SYNDROME; Cerebello-oculocutaneous telangiectasia; Immunodeficiency with ataxia telangiectasia; Ataxia-telangiectasia, complementation group E; Ataxia telangiectasia (A-T); Ataxia-telangiectasia, complementation group D. Identifiers: Orphanet 100, MedGen C0004135, MONDO:0008840, OMIM 208900.
Hereditary cancer-predisposing syndrome. Also called: Hereditary Cancer Syndrome; Hereditary neoplastic syndrome; Neoplastic Syndromes, Hereditary; Tumor predisposition. Identifiers: Orphanet 140162, MedGen C0027672, MeSH D009386, MONDO:0015356.

Submissions (3):

Blueprint Genetics
Classification: Likely benign. Last evaluated: 2024-06-07. Review status: criteria provided, single submitter. Criteria: ACMG Guidelines, 2015. Collection method: clinical testing. Allele origin: germline.

Ambry Genetics
Classification: Likely benign for Hereditary cancer-predisposing syndrome. Last evaluated: 2022-09-21. Review status: criteria provided, single submitter. Criteria: Ambry Variant Classification Scheme 2023. Collection method: clinical testing. Allele origin: germline.

Labcorp Genetics (formerly Invitae), Labcorp
Classification: Uncertain significance for Ataxia-telangiectasia syndrome. Last evaluated: 2022-02-19. Review status: criteria provided, single submitter. Criteria: Invitae Variant Classification Sherloc (09022015). Collection method: clinical testing. Allele origin: germline.
Comment: This sequence change affects codon 546 of the ATM mRNA. It is a 'silent' change, meaning that it does not change the encoded amino acid sequence of the ATM protein. This variant is not present in population databases (gnomAD no frequency). This variant has not been reported in the literature in individuals affected with ATM-related conditions. Algorithms developed to predict the effect of sequence changes on RNA splicing suggest that this variant may disrupt the consensus splice site. In summary, the available evidence is currently insufficient to determine the role of this variant in disease. Therefore, it has been classified as a Variant of Uncertain Significance.

NM_000051.4(ATM):c.1638G>A (p.Leu546=)

Gene: ATM (ATM serine/threonine kinase; plus strand). Cytogenetic location: 11q22.3.
Variant type: single nucleotide variant.
Coding change: c.1638G>A on transcript NM_000051.4 (MANE Select); coding-DNA position 1638, G replaced by A.
Protein change: p.Leu546=; no amino-acid change (leucine 546 retained).
Molecular consequence: synonymous variant.
Genome position (GRCh38, 1-based): chr11:108,251,867, G>A. VCF-style: chr11-108251867-G-A. GRCh37 (hg19) VCF-style: chr11-108122594-G-A.
Other names: c.1638G>A, p.Leu546= (NM_001351834.2).
Identifiers: ClinVar variation 1776969 (VCV001776969.8), dbSNP rs2135339578, ClinGen allele CA476672043.